The following is an entry in ClinVar:

NM_001365999.1(SZT2):c.7275del (p.Ala2426fs)

Gene: SZT2 (SZT2 subunit of KICSTOR complex; plus strand). Cytogenetic location: 1p34.2.
Variant type: Deletion.
Coding change: c.7275del on transcript NM_001365999.1 (MANE Select); coding-DNA position 7275, one base deleted (T; older notation c.7275delT).
Protein change: p.Ala2426fs; shifts the reading frame from alanine 2426.
Molecular consequence: frameshift variant.
Genome position (GRCh38, 1-based): chr1:43,440,517, T deleted. VCF-style (leftmost placement, unchanged base first): chr1-43440516-CT-C. GRCh37 (hg19) VCF-style: chr1-43906187-CT-C.
Other names: c.7104del, p.Ala2369fs (NM_015284.4); short protein forms A2369fs, A2426fs.
Identifiers: ClinVar variation 1453817 (VCV001453817.6), dbSNP rs1557589101, ClinGen allele CA522509569.
Genomic context (GRCh38, chr1:43,440,516, plus strand): 5'-GTCTCAGGAACGGATCGTTGGAAACTAAGAGCTCTGCAGGCCGAGCTAGCACCTTTCCCC[CT>C]GCCCCTGTCCCTGGGGAGCCTGTGACTCCACCCAGCAAAGCGGGCCGGCGTAGCTTCTGG-3'

ClinVar aggregate classification (germline): Pathogenic (1 of 4 stars; one submission).

Allele frequency attached by ClinVar (database versions not stated): gnomAD exomes below 0.00001.

Submission:

Labcorp Genetics (formerly Invitae), Labcorp
Classification: Pathogenic. Last evaluated: 2021-05-27. Review status: criteria provided, single submitter. Criteria: Invitae Variant Classification Sherloc (09022015). Collection method: clinical testing. Allele origin: germline.
Comment: For these reasons, this variant has been classified as Pathogenic. This variant has not been reported in the literature in individuals with SZT2-related conditions. This variant is not present in population databases (ExAC no frequency). This sequence change creates a premature translational stop signal (p.Ala2369Profs*8) in the SZT2 gene. It is expected to result in an absent or disrupted protein product. Loss-of-function variants in SZT2 are known to be pathogenic (PMID: 23932106, 27248490, 28556953).

Literature cited by the submitters: PubMed 23932106; PubMed 27248490; PubMed 28556953.